The following is an entry in ClinVar:

ClinVar aggregate classification (germline): Pathogenic (1 of 4 stars; one submission).

Conditions:
Hypertrophic cardiomyopathy. Also called: HYPERTROPHIC MYOCARDIOPATHY. Identifiers: Orphanet 217569, MedGen C0007194, MeSH D002312, MONDO:0005045, HP:0001639.

Submission:

Labcorp Genetics (formerly Invitae), Labcorp
Classification: Pathogenic for Hypertrophic cardiomyopathy. Last evaluated: 2022-03-05. Review status: criteria provided, single submitter. Criteria: Invitae Variant Classification Sherloc (09022015). Collection method: clinical testing. Allele origin: germline.
Comment: For these reasons, this variant has been classified as Pathogenic. This variant has not been reported in the literature in individuals affected with MYBPC3-related conditions. This variant is not present in population databases (gnomAD no frequency). This sequence change creates a premature translational stop signal (p.Ile154Metfs*5) in the MYBPC3 gene. It is expected to result in an absent or disrupted protein product. Loss-of-function variants in MYBPC3 are known to be pathogenic (PMID: 19574547).

Literature cited by the submitters: PubMed 19574547.

NM_000256.3(MYBPC3):c.462del (p.Ile154fs)

Gene: MYBPC3 (myosin binding protein C3; minus strand). Cytogenetic location: 11p11.2.
Variant type: Deletion.
Coding change: c.462del on transcript NM_000256.3 (MANE Select); coding-DNA position 462, one base deleted (T; older notation c.462delT).
Protein change: p.Ile154fs; shifts the reading frame from isoleucine 154.
Molecular consequence: frameshift variant.
Genome position (GRCh38, 1-based): chr11:47,350,057, A deleted on the plus strand (T on the coding strand, the reverse complement: MYBPC3 is on the minus strand); the first of 2 consecutive A bases (chr11:47,350,057-47,350,058); deleting either gives the same sequence. VCF-style (leftmost placement, unchanged base first): chr11-47350056-CA-C. GRCh37 (hg19) VCF-style: chr11-47371607-CA-C.
Other names: short protein forms I154fs.
Identifiers: ClinVar variation 2107046 (VCV002107046.4), dbSNP rs2495781820, ClinGen allele CA2580084246.
Genomic context (GRCh38, chr11:47,350,056, plus strand): 5'-ACAGCAGCTCACACTCACCCACGGTCACCTCGCCATCCTGTGGCCGCATCACGAAGAGGC[CA>C]ATGGGGTCATCGGGGGCTCCAGGGGTAGGACCATTGAGAGCTGCTGAGCTTGACCCTGTG-3'